The following is an entry in ClinVar:

NM_000051.4(ATM):c.8920C>T (p.Pro2974Ser)

Genes: ATM (ATM serine/threonine kinase; plus strand), C11orf65 (chromosome 11 open reading frame 65; minus strand). Cytogenetic location: 11q22.3.
Variant type: single nucleotide variant.
Coding change: c.8920C>T on transcript NM_000051.4 (MANE Select); coding-DNA position 8920, C replaced by T.
Protein change: p.Pro2974Ser; replaces proline 2974 with serine.
Molecular consequence: missense variant. On other transcripts: intron variant (2).
Genome position (GRCh38, 1-based): chr11:108,365,151, C>T. VCF-style: chr11-108365151-C-T. GRCh37 (hg19) VCF-style: chr11-108235878-C-T.
Other names: c.8920C>T, p.Pro2974Ser (NM_001351834.2); c.640+20769G>A (NM_001330368.2); c.694+20769G>A (NM_001351110.2); short protein forms P2974S.
Identifiers: ClinVar variation 524322 (VCV000524322.9), dbSNP rs984616023, ClinGen allele CA228383578.
Genomic context (GRCh38, chr11:108,365,151, plus strand): 5'-TATGATCCACTCTTTGACTGGACCATGAATCCTTTGAAAGCTTTGTATTTACAGCAGAGG[C>T]CGGAAGATGAAACTGAGCTTCACCCTACTCTGAATGCAGATGACCAAGAATGCAAACGAA-3'
Protein context (NP_000042.3, residues 2964-2984): PLKALYLQQR[Pro2974Ser]EDETELHPTL

ClinVar aggregate classification (germline): Uncertain significance (1 of 4 stars; one submission).

Conditions:
Ataxia-telangiectasia syndrome (AT). Also called: Cerebello-oculocutaneous telangiectasia; Immunodeficiency with ataxia telangiectasia; Ataxia-telangiectasia, complementation group E; Ataxia-telangiectasia, complementation group D; AT, COMPLEMENTATION GROUP C; ATAXIA-TELANGIECTASIA, COMPLEMENTATION GROUP A. Identifiers: Orphanet 100, MedGen C0004135, MONDO:0008840, OMIM 208900.

Allele frequency attached by ClinVar (database versions not stated): gnomAD exomes below 0.00001; TOPMed 0.00001.
gnomAD v4.1: 1 of 1,614,104 alleles (0.000062%); no homozygotes.

Submission:

Labcorp Genetics (formerly Invitae), Labcorp
Classification: Uncertain significance for Ataxia-telangiectasia syndrome. Last evaluated: 2017-08-16. Review status: criteria provided, single submitter. Criteria: Invitae Variant Classification Sherloc (09022015). Collection method: clinical testing. Allele origin: germline.
Comment: In summary, the available evidence is currently insufficient to determine the role of this variant in disease. Therefore, it has been classified as a Variant of Uncertain Significance. Algorithms developed to predict the effect of sequence changes on RNA splicing suggest that this variant may create or strengthen a splice site, but this prediction has not been confirmed by published transcriptional studies. Algorithms developed to predict the effect of missense changes on protein structure and function (SIFT, PolyPhen-2, Align-GVGD) all suggest that this variant is likely to be tolerated, but these predictions have not been confirmed by published functional studies and their clinical significance is uncertain. This variant has not been reported in the literature in individuals with ATM-related disease. This variant is not present in population databases (ExAC no frequency). This sequence change replaces proline with serine at codon 2974 of the ATM protein (p.Pro2974Ser). The proline residue is moderately conserved and there is a moderate physicochemical difference between proline and serine.